The following is an entry in ClinVar:

ClinVar aggregate classification (germline): Uncertain significance (1 of 4 stars; one submission).

Submission:

Labcorp Genetics (formerly Invitae), Labcorp
Classification: Uncertain significance. Last evaluated: 2024-05-09. Review status: criteria provided, single submitter. Criteria: Invitae Variant Classification Sherloc (09022015). Collection method: clinical testing. Allele origin: germline.
Comment: This sequence change replaces phenylalanine, which is neutral and non-polar, with cysteine, which is neutral and slightly polar, at codon 305 of the SI protein (p.Phe305Cys). This variant is not present in population databases (gnomAD no frequency). This variant has not been reported in the literature in individuals affected with SI-related conditions. Advanced modeling of protein sequence and biophysical properties (such as structural, functional, and spatial information, amino acid conservation, physicochemical variation, residue mobility, and thermodynamic stability) has been performed at Invitae for this missense variant, however the output from this modeling did not meet the statistical confidence thresholds required to predict the impact of this variant on SI protein function. In summary, the available evidence is currently insufficient to determine the role of this variant in disease. Therefore, it has been classified as a Variant of Uncertain Significance.

NM_001041.4(SI):c.914T>G (p.Phe305Cys)

Gene: SI (sucrase-isomaltase; minus strand). Cytogenetic location: 3q26.1.
Variant type: single nucleotide variant.
Coding change: c.914T>G on transcript NM_001041.4 (MANE Select); coding-DNA position 914, T replaced by G.
Protein change: p.Phe305Cys; replaces phenylalanine 305 with cysteine.
Molecular consequence: missense variant.
Genome position (GRCh38, 1-based): chr3:165,062,477, A>C on the plus strand (T>G on the coding strand, the complement: SI is on the minus strand). VCF-style: chr3-165062477-A-C. GRCh37 (hg19) VCF-style: chr3-164780265-A-C.
Other names: short protein forms F305C.
Identifiers: ClinVar variation 3651984 (VCV003651984.2).
Genomic context (GRCh38, chr3:165,062,477, plus strand): 5'-ATGTAAAAATCCAGAATGCCACCGGTAACTCTATATGTTACTATTGGAGTAGGCTGGATA[A>C]AAATCTCTGCAAAATAAAATTGGTAAACTTATATGTAAATAGTGAAAAGGATTATAGTAA-3'
Protein context (NP_001032.2, residues 295-315): FLMNSNAMEI[Phe305Cys]IQPTPIVTYR